The following is an entry in ClinVar:

NM_015915.5(ATL1):c.1228G>A (p.Gly410Arg)

Gene: ATL1 (atlastin GTPase 1; plus strand). Cytogenetic location: 14q22.1.
Variant type: single nucleotide variant.
Coding change: c.1228G>A on transcript NM_015915.5 (MANE Select); coding-DNA position 1228, G replaced by A.
Protein change: p.Gly410Arg; replaces glycine 410 with arginine.
Molecular consequence: missense variant.
Genome position (GRCh38, 1-based): chr14:50,628,139, G>A. VCF-style: chr14-50628139-G-A. GRCh37 (hg19) VCF-style: chr14-51094857-G-A.
Other names: c.1228G>A, p.Gly410Arg (NM_001127713.1, NM_181598.4); short protein forms G410R.
Identifiers: ClinVar variation 446865 (VCV000446865.8), dbSNP rs1555365854, ClinGen allele CA389675812.

ClinVar aggregate classification (germline): Pathogenic/Likely pathogenic. Review status: criteria provided, multiple submitters, no conflicts (2 of 4 stars). 4 submissions from 4 submitters: Pathogenic (1); Likely pathogenic (3). Last evaluated 2022-05-25.

Conditions:
Hereditary spastic paraplegia 3A (SPG3A). Also called: Spastic paraplegia 3A, autosomal dominant; SPASTIC PARAPLEGIA 3, AUTOSOMAL DOMINANT; FAMILIAL SPASTIC PARAPLEGIA, AUTOSOMAL DOMINANT, 1; SPG3; STRUMPELL DISEASE; Spastic Paraplegia 3A. Identifiers: Orphanet 100984, MedGen C2931355, MONDO:0008437, OMIM 182600.
ATL1-related disorder. Also called: ATL1-related condition.

Submissions (4):

Labcorp Genetics (formerly Invitae), Labcorp
Classification: Pathogenic for Hereditary spastic paraplegia 3A. Last evaluated: 2022-05-25. Review status: criteria provided, single submitter. Criteria: Invitae Variant Classification Sherloc (09022015). Collection method: clinical testing. Allele origin: germline.
Comment: This sequence change replaces glycine, which is neutral and non-polar, with arginine, which is basic and polar, at codon 410 of the ATL1 protein (p.Gly410Arg). This variant is not present in population databases (gnomAD no frequency). This missense change has been observed in individual(s) with autosomal dominant hereditary spastic paraplegia (PMID: 9341882, 28396731). It has also been observed to segregate with disease in related individuals. ClinVar contains an entry for this variant (Variation ID: 446865). Advanced modeling of protein sequence and biophysical properties (such as structural, functional, and spatial information, amino acid conservation, physicochemical variation, residue mobility, and thermodynamic stability) performed at Invitae indicates that this missense variant is expected to disrupt ATL1 protein function. Experimental studies have shown that this missense change affects ATL1 function (PMID: 21368113). For these reasons, this variant has been classified as Pathogenic.

Blueprint Genetics
Classification: Likely pathogenic for ATL1-related disorders. Last evaluated: 2022-02-16. Review status: criteria provided, single submitter. Criteria: ACMG Guidelines, 2015. Collection method: clinical testing. Allele origin: germline. Affected: yes. Observed: 1 variant allele.

Institute of Medical Genetics and Applied Genomics, University Hospital Tübingen
Classification: Likely pathogenic. Last evaluated: 2020-10-23. Review status: criteria provided, single submitter. Criteria: ACMG Guidelines, 2015. Collection method: clinical testing. Allele origin: germline. Inheritance: Autosomal dominant inheritance. Affected: yes.

Athena Diagnostics
Classification: Likely pathogenic. Last evaluated: 2017-07-25. Review status: criteria provided, single submitter. Criteria: Athena Diagnostics Criteria. Collection method: clinical testing. Allele origin: germline.

Literature cited by the submitters: PubMed 9341882 (cited by Labcorp Genetics (formerly Invitae), Labcorp and Athena Diagnostics); PubMed 28396731 (cited by Labcorp Genetics (formerly Invitae), Labcorp); PubMed 21368113 (cited by Labcorp Genetics (formerly Invitae), Labcorp and Athena Diagnostics).